The following is an entry in ClinVar:

NM_019066.5(MAGEL2):c.1579C>T (p.Pro527Ser)

Gene: MAGEL2 (MAGE family member L2; minus strand). Cytogenetic location: 15q11.2.
Variant type: single nucleotide variant.
Coding change: c.1579C>T on transcript NM_019066.5 (MANE Select); coding-DNA position 1579, C replaced by T.
Protein change: p.Pro527Ser; replaces proline 527 with serine.
Molecular consequence: missense variant.
Genome position (GRCh38, 1-based): chr15:23,646,164, G>A on the plus strand (C>T on the coding strand, the complement: MAGEL2 is on the minus strand). VCF-style: chr15-23646164-G-A. GRCh37 (hg19) VCF-style: chr15-23891311-G-A.
Other names: short protein forms P527S.
Identifiers: ClinVar variation 2707365 (VCV002707365.3), dbSNP rs2503980241, ClinGen allele CA391333752.

ClinVar aggregate classification (germline): Uncertain significance (1 of 4 stars; one submission).

Submission:

Labcorp Genetics (formerly Invitae), Labcorp
Classification: Uncertain significance. Last evaluated: 2024-01-12. Review status: criteria provided, single submitter. Criteria: Invitae Variant Classification Sherloc (09022015). Collection method: clinical testing. Allele origin: germline.
Comment: This sequence change replaces proline, which is neutral and non-polar, with serine, which is neutral and polar, at codon 527 of the MAGEL2 protein (p.Pro527Ser). This variant is not present in population databases (gnomAD no frequency). This variant has not been reported in the literature in individuals affected with MAGEL2-related conditions. Advanced modeling of protein sequence and biophysical properties (such as structural, functional, and spatial information, amino acid conservation, physicochemical variation, residue mobility, and thermodynamic stability) performed at Invitae indicates that this missense variant is not expected to disrupt MAGEL2 protein function with a negative predictive value of 80%. In summary, the available evidence is currently insufficient to determine the role of this variant in disease. Therefore, it has been classified as a Variant of Uncertain Significance.